The following is an entry in ClinVar:

NM_000088.4(COL1A1):c.334G>T (p.Gly112Ter)

Gene: COL1A1 (collagen type I alpha 1 chain; minus strand). Cytogenetic location: 17q21.33.
Variant type: single nucleotide variant.
Coding change: c.334G>T on transcript NM_000088.4 (MANE Select); coding-DNA position 334, G replaced by T.
Protein change: p.Gly112Ter; replaces glycine 112 with a stop codon.
Molecular consequence: nonsense.
Genome position (GRCh38, 1-based): chr17:50,199,453, C>A on the plus strand (G>T on the coding strand, the complement: COL1A1 is on the minus strand). VCF-style: chr17-50199453-C-A. GRCh37 (hg19) VCF-style: chr17-48276814-C-A.
Other names: short protein forms G112*.
Identifiers: ClinVar variation 2826243 (VCV002826243.3), dbSNP rs2509255422, ClinGen allele CA400227732.
Genomic context (GRCh38, chr17:50,199,453, plus strand): 5'-CCACAGCCCAGAGTGCAACGCTTACCCTTGGGCCTCGGGGGCCAGTGTCTCCCTTGGGTC[C>A]CTGTGGGATTGGGGGAGAAGAAACAAGAGGCCAGGTTAGAGAAGGGAGGACTGTGAGGAG-3'

ClinVar aggregate classification (germline): Pathogenic (1 of 4 stars; one submission).

Conditions:
Osteogenesis imperfecta type I (OI1). Also called: OI, TYPE I; OSTEOGENESIS IMPERFECTA TARDA; OSTEOGENESIS IMPERFECTA WITH BLUE SCLERAE; Osteogenesis imperfecta type 1; Lobstein's Disease; Lobstein disease. Identifiers: Orphanet 216796, Orphanet 666, MedGen C0023931, MONDO:0008146, OMIM 166200. Disease mechanism: loss of function.

Submission:

Labcorp Genetics (formerly Invitae), Labcorp
Classification: Pathogenic for Osteogenesis imperfecta type I. Last evaluated: 2023-01-05. Review status: criteria provided, single submitter. Criteria: Invitae Variant Classification Sherloc (09022015). Collection method: clinical testing. Allele origin: germline.
Comment: For these reasons, this variant has been classified as Pathogenic. This variant has not been reported in the literature in individuals affected with COL1A1-related conditions. This variant is not present in population databases (gnomAD no frequency). This sequence change creates a premature translational stop signal (p.Gly112*) in the COL1A1 gene. It is expected to result in an absent or disrupted protein product. Loss-of-function variants in COL1A1 are known to be pathogenic (PMID: 7942841, 9295084, 9443882).

Literature cited by the submitters: PubMed 7942841; PubMed 9295084; PubMed 9443882.